The following is an entry in ClinVar:

NM_002519.3(NPAT):c.818+3A>G

Gene: NPAT (nuclear protein, coactivator of histone transcription; minus strand). Cytogenetic location: 11q22.3.
Variant type: single nucleotide variant.
Coding change: c.818+3A>G on transcript NM_002519.3 (MANE Select); 3 bases into the intron after coding-DNA position 818, A replaced by G.
Molecular consequence: intron variant.
Genome position (GRCh38, 1-based): chr11:108,185,400, T>C on the plus strand (A>G on the coding strand, the complement: NPAT is on the minus strand). VCF-style: chr11-108185400-T-C. GRCh37 (hg19) VCF-style: chr11-108056127-T-C.
Other names: c.818+3A>G (NM_001321307.1).
Identifiers: ClinVar variation 3695166 (VCV003695166.2).

ClinVar aggregate classification (germline): Uncertain significance (1 of 4 stars; one submission).

gnomAD v4.1: 15 of 1,588,320 alleles (0.00094%); highest among the groups gnomAD compares: Non-Finnish European, 0.0011%; no homozygotes.

Submission:

Labcorp Genetics (formerly Invitae), Labcorp
Classification: Uncertain significance. Last evaluated: 2024-04-25. Review status: criteria provided, single submitter. Criteria: Invitae Variant Classification Sherloc (09022015). Collection method: clinical testing. Allele origin: germline.
Comment: This sequence change falls in intron 9 of the NPAT gene. It does not directly change the encoded amino acid sequence of the NPAT protein. It affects a nucleotide within the consensus splice site. This variant is present in population databases (rs746485935, gnomAD 0.002%). This variant has not been reported in the literature in individuals affected with NPAT-related conditions. Variants that disrupt the consensus splice site are a relatively common cause of aberrant splicing (PMID: 17576681, 9536098). Algorithms developed to predict the effect of sequence changes on RNA splicing suggest that this variant is not likely to affect RNA splicing. In summary, the available evidence is currently insufficient to determine the role of this variant in disease. Therefore, it has been classified as a Variant of Uncertain Significance.

Literature cited by the submitters: PubMed 17576681; PubMed 9536098.